The following is an entry in ClinVar:

ClinVar aggregate classification (germline): Uncertain significance (1 of 4 stars; one submission).

Conditions:
Familial cancer of breast. Also called: BREAST CANCER, FAMILIAL; Hereditary breast cancer; hereditary breast carcinoma. Identifiers: Orphanet 227535, MedGen C0346153, MONDO:0016419, OMIM 114480. Disease mechanism: loss of function.

Allele frequency attached by ClinVar (database versions not stated): gnomAD exomes below 0.00001; ExAC 0.00001.
gnomAD v4.1: 1 of 1,613,866 alleles (0.000062%); highest among the groups gnomAD compares: Non-Finnish European, 0.000085%; no homozygotes.

Submission:

Labcorp Genetics (formerly Invitae), Labcorp
Classification: Uncertain significance for Familial cancer of breast. Last evaluated: 2020-02-02. Review status: criteria provided, single submitter. Criteria: Invitae Variant Classification Sherloc (09022015). Collection method: clinical testing. Allele origin: germline.
Comment: This sequence change replaces alanine with valine at codon 33 of the PALB2 protein (p.Ala33Val). The alanine residue is moderately conserved and there is a small physicochemical difference between alanine and valine. This variant is present in population databases (rs780769645, ExAC 0.001%). This variant has not been reported in the literature in individuals with PALB2-related conditions. Algorithms developed to predict the effect of missense changes on protein structure and function are either unavailable or do not agree on the potential impact of this missense change (SIFT: "Tolerated"; PolyPhen-2: "Probably Damaging"; Align-GVGD: "Class C0"). In summary, the available evidence is currently insufficient to determine the role of this variant in disease. Therefore, it has been classified as a Variant of Uncertain Significance.

NM_024675.4(PALB2):c.98C>T (p.Ala33Val)

Gene: PALB2 (partner and localizer of BRCA2; minus strand). Cytogenetic location: 16p12.2.
Variant type: single nucleotide variant.
Coding change: c.98C>T on transcript NM_024675.4 (MANE Select); coding-DNA position 98, C replaced by T.
Protein change: p.Ala33Val; replaces alanine 33 with valine.
Molecular consequence: missense variant.
Genome position (GRCh38, 1-based): chr16:23,638,080, G>A on the plus strand (C>T on the coding strand, the complement: PALB2 is on the minus strand). VCF-style: chr16-23638080-G-A. GRCh37 (hg19) VCF-style: chr16-23649401-G-A.
Other names: short protein forms A33V.
Identifiers: ClinVar variation 1051599 (VCV001051599.10), dbSNP rs780769645, ClinGen allele CA7963861.